The following is an entry in ClinVar:

ClinVar aggregate classification (germline): Uncertain significance (1 of 4 stars; one submission).

Allele frequency attached by ClinVar (database versions not stated): ExAC 0.00012; gnomAD 0.00018; 1000 Genomes Project 0.00120.

Submission:

Women's Health and Genetics/Laboratory Corporation of America, LabCorp
Classification: Uncertain significance. Last evaluated: 2023-12-08. Review status: criteria provided, single submitter. Criteria: LabCorp Variant Classification Summary - May 2015. Collection method: clinical testing. Allele origin: germline.
Comment: Variant summary: FMN2 c.3149C>T (p.Ala1050Val) results in a non-conservative amino acid change located in the formin, FH2 domain (IPR015425) of the encoded protein sequence. Four of five in-silico tools predict a benign effect of the variant on protein function. The variant allele was found at a frequency of 0.0002 in 80074 control chromosomes in the gnomAD database, including 1 homozygote. To our knowledge, no occurrence of c.3149C>T in individuals affected with Autosomal Recessive Intellectual Disability and no experimental evidence demonstrating its impact on protein function have been reported. No submitters have cited clinical-significance assessments for this variant to ClinVar after 2014. Based on the evidence outlined above, the variant was classified as uncertain significance.

NM_020066.5(FMN2):c.3149C>T (p.Ala1050Val)

Gene: FMN2 (formin 2; plus strand). Cytogenetic location: 1q43.
Variant type: single nucleotide variant.
Coding change: c.3149C>T on transcript NM_020066.5 (MANE Select); coding-DNA position 3149, C replaced by T.
Protein change: p.Ala1050Val; replaces alanine 1050 with valine.
Molecular consequence: missense variant. On other transcripts: intron variant (1).
Genome position (GRCh38, 1-based): chr1:240,207,961, C>T. VCF-style: chr1-240207961-C-T. GRCh37 (hg19) VCF-style: chr1-240371261-C-T.
Other names: c.3161C>T, p.Ala1054Val (NM_001305424.2); c.1986+19699C>T (NM_001348094.2); short protein forms A1050V, A1054V.
Identifiers: ClinVar variation 2691558 (VCV002691558.1), dbSNP rs541378949, ClinGen allele CA1477014.
Genomic context (GRCh38, chr1:240,207,961, plus strand): 5'-TACCCCCTCCGCCCCCACTTCCCGGAGCGGGCATACCCCCTCCGCCCCCACTTCCCGGAG[C>T]GGGCATACCCCCTCCTCCCCCTCTTCCCGGAGCGGGCATACCTCCTCCACCCCCTCTACC-3'
Protein context (NP_064450.3, residues 1040-1060): GIPPPPPLPG[Ala1050Val]GIPPPPPLPG